The following is an entry in ClinVar:

ClinVar aggregate classification (germline): Likely benign. Review status: criteria provided, multiple submitters, no conflicts (2 of 4 stars). 3 submissions from 3 submitters: Likely benign (2). 1 of the submissions does not count toward it. Last evaluated 2025-09-28.

Conditions:
SDCCAG8-related disorder. Also called: SDCCAG8-Related Disorders; SDCCAG8-related condition.
Bardet-Biedl syndrome 16 (BBS16). Identifiers: Orphanet 110, MedGen C3889474, MONDO:0014444, OMIM 615993.
Senior-Loken syndrome 7 (SLSN7). Identifiers: Orphanet 3156, MedGen C3150877, MONDO:0013326, OMIM 613615.

Allele frequency attached by ClinVar (database versions not stated): ExAC 0.00003; gnomAD 0.00003; gnomAD exomes 0.00004; TOPMed 0.00007; 1000 Genomes Project 30x 0.00016; 1000 Genomes Project 0.00020.
gnomAD v4.1: 62 of 1,613,960 alleles (0.0038%); highest among the groups gnomAD compares: Middle Eastern, 0.049%; no homozygotes.

Submissions (3):

Labcorp Genetics (formerly Invitae), Labcorp
Classification: Likely benign for Bardet-Biedl syndrome 16; Senior-Loken syndrome 7. Last evaluated: 2025-09-28. Review status: criteria provided, single submitter. Criteria: Invitae Variant Classification Sherloc (09022015). Collection method: clinical testing. Allele origin: germline.

Blueprint Genetics
Classification: Likely benign. Last evaluated: 2024-07-29. Review status: criteria provided, single submitter. Criteria: ACMG Guidelines, 2015. Collection method: clinical testing. Allele origin: germline.

PreventionGenetics, part of Exact Sciences
Classification: Likely benign for SDCCAG8-related condition. Last evaluated: 2019-07-22. Review status: no assertion criteria provided. Collection method: clinical testing. Allele origin: germline. Not counted in ClinVar's aggregate classification.
Comment: This variant is classified as likely benign based on ACMG/AMP sequence variant interpretation guidelines (Richards et al. 2015 PMID: 25741868, with internal and published modifications).

NM_006642.5(SDCCAG8):c.1116G>A (p.Ala372=)

Gene: SDCCAG8 (SHH signaling and ciliogenesis regulator SDCCAG8; plus strand). Cytogenetic location: 1q43.
Variant type: single nucleotide variant.
Coding change: c.1116G>A on transcript NM_006642.5 (MANE Select); coding-DNA position 1116, G replaced by A.
Protein change: p.Ala372=; no amino-acid change (alanine 372 retained).
Molecular consequence: synonymous variant.
Genome position (GRCh38, 1-based): chr1:243,330,587, G>A. VCF-style: chr1-243330587-G-A. GRCh37 (hg19) VCF-style: chr1-243493889-G-A.
Other names: c.213G>A, p.Ala71= (NM_001350246.2, NM_001350247.2, NM_001350251.2); c.1212G>A, p.Ala404= (NM_001350248.2); c.822G>A, p.Ala274= (NM_001350249.2).
Identifiers: ClinVar variation 705330 (VCV000705330.10), dbSNP rs533721896, ClinGen allele CA1483560.